The following is an entry in ClinVar:

ClinVar aggregate classification (germline): Uncertain significance (1 of 4 stars; one submission).

Allele frequency attached by ClinVar (database versions not stated): gnomAD exomes 0.00001 and 0.00003; TOPMed 0.00001; gnomAD 0.00002.
gnomAD v4.1: 41 of 1,613,590 alleles (0.0025%); highest among the groups gnomAD compares: Admixed American, 0.0033%; no homozygotes.

Submission:

Labcorp Genetics (formerly Invitae), Labcorp
Classification: Uncertain significance. Last evaluated: 2025-06-04. Review status: criteria provided, single submitter. Criteria: Invitae Variant Classification Sherloc (09022015). Collection method: clinical testing. Allele origin: germline.
Comment: This sequence change replaces glycine, which is neutral and non-polar, with aspartic acid, which is acidic and polar, at codon 450 of the SLC20A2 protein (p.Gly450Asp). This variant is present in population databases (no rsID available, gnomAD 0.003%). This variant has not been reported in the literature in individuals affected with SLC20A2-related conditions. ClinVar contains an entry for this variant (Variation ID: 1466400). Invitae Evidence Modeling of protein sequence and biophysical properties (such as structural, functional, and spatial information, amino acid conservation, physicochemical variation, residue mobility, and thermodynamic stability) indicates that this missense variant is not expected to disrupt SLC20A2 protein function with a negative predictive value of 95%. In summary, the available evidence is currently insufficient to determine the role of this variant in disease. Therefore, it has been classified as a Variant of Uncertain Significance.

NM_001257180.2(SLC20A2):c.1349G>A (p.Gly450Asp)

Gene: SLC20A2 (solute carrier family 20 member 2; minus strand). Cytogenetic location: 8p11.21.
Variant type: single nucleotide variant.
Coding change: c.1349G>A on transcript NM_001257180.2 (MANE Select); coding-DNA position 1349, G replaced by A.
Protein change: p.Gly450Asp; replaces glycine 450 with aspartic acid.
Molecular consequence: missense variant.
Genome position (GRCh38, 1-based): chr8:42,437,163, C>T on the plus strand (G>A on the coding strand, the complement: SLC20A2 is on the minus strand). VCF-style: chr8-42437163-C-T. GRCh37 (hg19) VCF-style: chr8-42294681-C-T.
Other names: c.1349G>A, p.Gly450Asp (NM_001257181.2, NM_006749.5); short protein forms G450D.
Identifiers: ClinVar variation 1466400 (VCV001466400.6), dbSNP rs1381940946, ClinGen allele CA371096874.